The following is an entry in ClinVar:

ClinVar aggregate classification (germline): Likely benign. Review status: criteria provided, multiple submitters, no conflicts (2 of 4 stars). 3 submissions from 3 submitters: Likely benign (3). Last evaluated 2025-06-01.

Conditions:
Cardiovascular phenotype. Identifiers: MedGen CN230736.
Autosomal recessive limb-girdle muscular dystrophy type 2J (LGMDR10). Also called: Limb-girdle muscular dystrophy, type 2J; MUSCULAR DYSTROPHY, LIMB-GIRDLE, AUTOSOMAL RECESSIVE 10. Identifiers: Orphanet 140922, MedGen C1837342, MONDO:0012127, OMIM 608807.
Dilated cardiomyopathy 1G (CMD1G). Identifiers: Orphanet 154, MedGen C1858763, MONDO:0011400, OMIM 604145.

Allele frequency attached by ClinVar (database versions not stated): gnomAD exomes below 0.00001; gnomAD 0.00002; TOPMed 0.00003; ESP Exome Variant Server 0.00016.
gnomAD v4.1: 9 of 1,613,374 alleles (0.00056%); highest among the groups gnomAD compares: African/African-American, 0.0093%; no homozygotes.

Submissions (3):

Ambry Genetics
Classification: Likely benign for Cardiovascular phenotype. Last evaluated: 2025-06-01. Review status: criteria provided, single submitter. Criteria: Ambry Variant Classification Scheme 2023. Collection method: clinical testing. Allele origin: germline.

Labcorp Genetics (formerly Invitae), Labcorp
Classification: Likely benign for Dilated cardiomyopathy 1G; Autosomal recessive limb-girdle muscular dystrophy type 2J. Last evaluated: 2025-03-05. Review status: criteria provided, single submitter. Criteria: Invitae Variant Classification Sherloc (09022015). Collection method: clinical testing. Allele origin: germline.

Laboratory for Molecular Medicine, Mass General Brigham Personalized Medicine
Classification: Likely benign. Last evaluated: 2012-03-19. Review status: criteria provided, single submitter. Criteria: LMM Criteria. Collection method: clinical testing. Allele origin: germline. Observed: 1 variant allele.
Comment: p.Lys27874Lys in Exon 285 of TTN: This variant is not expected to have clinical significance because it does not alter an amino acid residue, is not located wit hin the splice consensus sequence. It has been identified in 0.1% (2/3216) of Af rican American chromosomes from a broad population by the NHLBI Exome Sequencing Project.

NM_001267550.2(TTN):c.91326A>G (p.Lys30442=)

Genes: TTN-AS1 (TTN antisense RNA 1; plus strand), TTN (titin; minus strand). Cytogenetic location: 2q31.2.
Variant type: single nucleotide variant.
Coding change: c.91326A>G on transcript NM_001267550.2 (MANE Select); coding-DNA position 91326, A replaced by G.
Protein change: p.Lys30442=; no amino-acid change (lysine 30442 retained).
Molecular consequence: synonymous variant.
Genome position (GRCh38, 1-based): chr2:178,551,205, T>C on the plus strand (A>G on the coding strand, the complement: TTN is on the minus strand). VCF-style: chr2-178551205-T-C. GRCh37 (hg19) VCF-style: chr2-179415932-T-C.
Other names: c.83622A>G, p.Lys27874= (NM_133378.4); c.86403A>G, p.Lys28801= (NM_001256850.1); c.64131A>G, p.Lys21377= (NM_003319.4); c.64506A>G, p.Lys21502= (NM_133432.3); c.64707A>G, p.Lys21569= (NM_133437.4).
Identifiers: ClinVar variation 228164 (VCV000228164.14), dbSNP rs367777281, ClinGen allele CA10576461.